The following is an entry in ClinVar:

NM_005257.6(GATA6):c.1723G>T (p.Ala575Ser)

Gene: GATA6 (GATA binding protein 6; plus strand). Cytogenetic location: 18q11.2.
Variant type: single nucleotide variant.
Coding change: c.1723G>T on transcript NM_005257.6 (MANE Select); coding-DNA position 1723, G replaced by T.
Protein change: p.Ala575Ser; replaces alanine 575 with serine.
Molecular consequence: missense variant.
Genome position (GRCh38, 1-based): chr18:22,200,758, G>T. VCF-style: chr18-22200758-G-T. GRCh37 (hg19) VCF-style: chr18-19780721-G-T.
Other names: short protein forms A575S.
Identifiers: ClinVar variation 2770803 (VCV002770803.3), dbSNP rs149569288, ClinGen allele CA8909079.

ClinVar aggregate classification (germline): Uncertain significance (1 of 4 stars; one submission).

Conditions:
Atrioventricular septal defect 5 (AVSD5). Identifiers: MedGen C3280939, MONDO:0013769, OMIM 614474.

gnomAD v4.1: 133 of 1,613,954 alleles (0.0082%); highest among the groups gnomAD compares: Non-Finnish European, 0.011%; no homozygotes.

Submission:

Labcorp Genetics (formerly Invitae), Labcorp
Classification: Uncertain significance for Atrioventricular septal defect 5. Last evaluated: 2024-10-09. Review status: criteria provided, single submitter. Criteria: Invitae Variant Classification Sherloc (09022015). Collection method: clinical testing. Allele origin: germline.
Comment: This sequence change replaces alanine, which is neutral and non-polar, with serine, which is neutral and polar, at codon 575 of the GATA6 protein (p.Ala575Ser). This variant is present in population databases (rs149569288, gnomAD 0.004%). This variant has not been reported in the literature in individuals affected with GATA6-related conditions. An algorithm developed to predict the effect of missense changes on protein structure and function outputs the following: PolyPhen-2: "Benign". The serine amino acid residue is found in multiple mammalian species, which suggests that this missense change does not adversely affect protein function. In summary, the available evidence is currently insufficient to determine the role of this variant in disease. Therefore, it has been classified as a Variant of Uncertain Significance.